The following is an entry in ClinVar:

NM_003193.5(TBCE):c.-49T>C

Gene: TBCE (tubulin folding cofactor E; plus strand). Cytogenetic location: 1q42.3.
Variant type: single nucleotide variant.
Coding change: c.-49T>C on transcript NM_003193.5 (MANE Select); 49 bases upstream of the start codon, T replaced by C.
Molecular consequence: 5 prime UTR variant.
Genome position (GRCh38, 1-based): chr1:235,367,487, T>C. VCF-style: chr1-235367487-T-C. GRCh37 (hg19) VCF-style: chr1-235530802-T-C.
Other names: c.-97T>C (NM_001079515.3); c.-49T>C (NM_001287801.2); c.-359T>C (NM_001287802.2).
Identifiers: ClinVar variation 296288 (VCV000296288.7), dbSNP rs55980101, ClinGen allele CA10609515.

ClinVar aggregate classification (germline): Benign. Review status: criteria provided, multiple submitters, no conflicts (2 of 4 stars). 3 submissions from 3 submitters: Benign (3). Last evaluated 2021-08-10.

Conditions:
Hypoparathyroidism-retardation-dysmorphism syndrome (HRDS). Also called: SANJAD-SAKATI SYNDROME. Identifiers: Orphanet 2323, MedGen C1855840, MONDO:0009426, OMIM 241410.

Allele frequency attached by ClinVar (database versions not stated): gnomAD exomes 0.01015; gnomAD 0.03361 and 0.03537; TOPMed 0.03786; 1000 Genomes Project 0.04054; 1000 Genomes Project 30x 0.04247.
gnomAD v4.1: 5,091 of 153,100 alleles (3.3%); highest among the groups gnomAD compares: African/African-American, 9.4%; 189 homozygotes.

Submissions (3):

GeneDx
Classification: Benign. Last evaluated: 2021-08-10. Review status: criteria provided, single submitter. Criteria: GeneDx Variant Classification Process June 2021. Collection method: clinical testing. Allele origin: germline. Affected: yes.

Illumina Laboratory Services, Illumina
Classification: Benign for Hypoparathyroidism-retardation-dysmorphism syndrome. Last evaluated: 2018-01-12. Review status: criteria provided, single submitter. Criteria: ICSL Variant Classification Criteria 13 December 2019. Collection method: clinical testing. Allele origin: germline.
Comment: This variant was observed in the ICSL laboratory as part of a predisposition screen in an ostensibly healthy population. It had not been previously curated by ICSL or reported in the Human Gene Mutation Database (HGMD: prior to June 1st, 2018), and was therefore a candidate for classification through an automated scoring system. Utilizing variant allele frequency, disease prevalence and penetrance estimates, and inheritance mode, an automated score was calculated to assess if this variant is too frequent to cause the disease. Based on the score and internal cut-off values, a variant classified as benign is not then subjected to further curation. The score for this variant resulted in a classification of benign for this disease.

Breakthrough Genomics
Classification: Benign. Review status: criteria provided, single submitter. Criteria: ACMG Guidelines, 2015. Collection method: not provided. Allele origin: germline. Inheritance: Autosomal recessive inheritance. Affected: yes.